The following is an entry in ClinVar:

NM_000660.7(TGFB1):c.441C>T (p.Pro147=)

Gene: TGFB1 (transforming growth factor beta 1; minus strand). Cytogenetic location: 19q13.2.
Variant type: single nucleotide variant.
Coding change: c.441C>T on transcript NM_000660.7 (MANE Select); coding-DNA position 441, C replaced by T.
Protein change: p.Pro147=; no amino-acid change (proline 147 retained).
Molecular consequence: synonymous variant.
Genome position (GRCh38, 1-based): chr19:41,348,370, G>A on the plus strand (C>T on the coding strand, the complement: TGFB1 is on the minus strand). VCF-style: chr19-41348370-G-A. GRCh37 (hg19) VCF-style: chr19-41854275-G-A.
Identifiers: ClinVar variation 1528495 (VCV001528495.27), dbSNP rs200674778, ClinGen allele CA9460094.
Genomic context (GRCh38, chr19:41,348,370, plus strand): 5'-GTGCTGCTCCACTTTTAACTTGAGCCTCAGCAGACGCAGCTCTGCCCGGGAGAGCAACAC[G>A]GGTTCAGGTACCGCTTCTCGGAGCTCTGATGTGTTGAAGAACATATATATGCTGTGTGTA-3'
Protein context (NP_000651.3, residues 137-157): TSELREAVPE[Pro147=]VLLSRAELRL

ClinVar aggregate classification (germline): Benign/Likely benign. Review status: criteria provided, multiple submitters, no conflicts (2 of 4 stars). 3 submissions from 3 submitters: Benign (1); Likely benign (2). Last evaluated 2025-09-22.

Allele frequency attached by ClinVar (database versions not stated): 1000 Genomes Project 30x 0.00016; gnomAD exomes 0.00018; 1000 Genomes Project 0.00020; ExAC 0.00021.
gnomAD v4.1: 63 of 1,613,530 alleles (0.0039%); highest among the groups gnomAD compares: East Asian, 0.091%; no homozygotes.

Submissions (3):

Labcorp Genetics (formerly Invitae), Labcorp
Classification: Benign. Last evaluated: 2025-09-22. Review status: criteria provided, single submitter. Criteria: Invitae Variant Classification Sherloc (09022015). Collection method: clinical testing. Allele origin: germline.

CeGaT Center for Human Genetics Tuebingen
Classification: Likely benign. Last evaluated: 2024-06-01. Review status: criteria provided, single submitter. Criteria: CeGaT Center For Human Genetics Tuebingen Variant Classification Criteria Version 2. Collection method: clinical testing. Allele origin: germline. Affected: yes. Observed: 1 variant allele.
Comment: TGFB1: BP4, BP7

Blueprint Genetics
Classification: Likely benign. Last evaluated: 2022-07-15. Review status: criteria provided, single submitter. Criteria: ACMG Guidelines, 2015. Collection method: clinical testing. Allele origin: germline.